The following is an entry in ClinVar:

ClinVar aggregate classification (germline): Pathogenic (1 of 4 stars; one submission).

Conditions:
Fanconi anemia complementation group O. Also called: RAD51C-Related Fanconi Anemia. Identifiers: Orphanet 84, MedGen C3150653, MONDO:0013248, OMIM 613390.

Submission:

Labcorp Genetics (formerly Invitae), Labcorp
Classification: Pathogenic for Fanconi anemia complementation group O. Last evaluated: 2022-09-26. Review status: criteria provided, single submitter. Criteria: Invitae Variant Classification Sherloc (09022015). Collection method: clinical testing. Allele origin: germline.
Comment: This variant is a gross deletion of the genomic region encompassing exon(s) 5 of the RAD51C gene. This variant would be expected to be in-frame, preserving the integrity of the reading frame. A similar copy number variant has been observed in individual(s) with breast cancer and ovarian cancer (PMID: 26681312; Invitae). This variant disrupts a region of the RAD51C protein in which other variant(s) (p.Arg258His) have been determined to be pathogenic (PMID: 20400963, 22167183, 26354865, 32054657). This suggests that this is a clinically significant region of the protein, and that variants that disrupt it are likely to be disease-causing. For these reasons, this variant has been classified as Pathogenic.

Literature cited by the submitters: PubMed 26681312; PubMed 20400963; PubMed 22167183; PubMed 26354865; PubMed 32054657.

NC_000017.10:g.(?_56787200)_(56787371_?)del

Gene: RAD51C (RAD51 paralog C; plus strand). Cytogenetic location: 17q22.
Variant type: Deletion.
Identifiers: ClinVar variation 2427171 (VCV002427171.3).